The following is an entry in ClinVar:

NM_014112.5(TRPS1):c.3010dup (p.Ser1004fs)

Gene: TRPS1 (transcriptional repressor GATA binding 1; minus strand). Cytogenetic location: 8q23.3.
Variant type: Duplication.
Coding change: c.3010dup on transcript NM_014112.5 (MANE Select); coding-DNA position 3010, one base duplicated (A; older notation c.3010dupA).
Protein change: p.Ser1004fs; shifts the reading frame from serine 1004.
Molecular consequence: frameshift variant.
Genome position (GRCh38, 1-based): chr8:115,414,898, T duplicated on the plus strand (A on the coding strand, the reverse complement: TRPS1 is on the minus strand); the first of 3 consecutive T bases (chr8:115,414,898-115,414,900); duplicating any one gives the same sequence. VCF-style (leftmost placement, unchanged base first): chr8-115414897-C-CT. GRCh37 (hg19) VCF-style: chr8-116427125-C-CT.
Other names: c.2983dup, p.Ser995fs (NM_001282902.3); c.2989dup, p.Ser997fs (NM_001282903.3); c.2971dup, p.Ser991fs (NM_001330599.2); short protein forms S991fs, S997fs, S995fs, S1004fs.
Identifiers: ClinVar variation 2018076 (VCV002018076.4), dbSNP rs2536582790, ClinGen allele CA2580078554.

ClinVar aggregate classification (germline): Pathogenic (1 of 4 stars; one submission).

Conditions:
Trichorhinophalangeal dysplasia type I (TRPS1). Also called: TRICHORHINOPHALANGEAL SYNDROME, TYPE I; TRPS I. Identifiers: Orphanet 77258, MedGen C0432233, MONDO:0008596, OMIM 190350.
Trichorhinophalangeal syndrome, type III (TRPS3). Also called: SUGIO-KAJII SYNDROME. Identifiers: Orphanet 77258, MedGen C1860823, OMIM 190351, MONDO:0008597.

Submission:

Labcorp Genetics (formerly Invitae), Labcorp
Classification: Pathogenic for Trichorhinophalangeal syndrome, type III; Trichorhinophalangeal dysplasia type I. Last evaluated: 2022-07-19. Review status: criteria provided, single submitter. Criteria: Invitae Variant Classification Sherloc (09022015). Collection method: clinical testing. Allele origin: germline.
Comment: For these reasons, this variant has been classified as Pathogenic. This variant disrupts a region of the TRPS1 protein in which other variant(s) (p.Thr1215Glnfs*27) have been determined to be pathogenic (PMID: 26113321). This suggests that this is a clinically significant region of the protein, and that variants that disrupt it are likely to be disease-causing. This variant has not been reported in the literature in individuals affected with TRPS1-related conditions. This variant is not present in population databases (gnomAD no frequency). This sequence change creates a premature translational stop signal (p.Ser1004Lysfs*13) in the TRPS1 gene. While this is not anticipated to result in nonsense mediated decay, it is expected to disrupt the last 291 amino acid(s) of the TRPS1 protein.

Literature cited by the submitters: PubMed 26113321.